The following is an entry in ClinVar:

NC_000018.9:g.(?_67671387)_(67872894_?)dup

Gene: RTTN (rotatin; minus strand). Cytogenetic location: 18q22.2.
Variant type: Duplication.
Identifiers: ClinVar variation 1440688 (VCV001440688.4).

ClinVar aggregate classification (germline): Uncertain significance (1 of 4 stars; one submission).

Submission:

Labcorp Genetics (formerly Invitae), Labcorp
Classification: Uncertain significance. Last evaluated: 2022-02-05. Review status: criteria provided, single submitter. Criteria: Invitae Variant Classification Sherloc (09022015). Collection method: clinical testing. Allele origin: germline.
Comment: A copy number gain of the genomic region encompassing the full coding sequence of the RTTN gene has been identified. The boundaries of this event are unknown as they extend beyond the assayed region for this gene and therefore may encompass additional genes. As the precise location of this event is unknown, it may be in tandem or it may be located elsewhere in the genome. This variant has not been reported in the literature in individuals affected with RTTN-related conditions. Experimental studies and prediction algorithms are not available or were not evaluated, and the functional significance of this variant is currently unknown. In summary, the available evidence is currently insufficient to determine the role of this variant in disease. Therefore, it has been classified as a Variant of Uncertain Significance.